The following is an entry in ClinVar:

ClinVar aggregate classification (germline): Uncertain significance (1 of 4 stars; one submission).

Submission:

GeneDx
Classification: Uncertain significance. Last evaluated: 2022-06-09. Review status: criteria provided, single submitter. Criteria: GeneDx Variant Classification Process June 2021. Collection method: clinical testing. Allele origin: germline. Affected: yes.
Comment: Not observed at significant frequency in large population cohorts (gnomAD); Nonsense variant predicted to result in protein truncation or nonsense mediated decay in a gene or region of a gene for which loss of function is not a well-established mechanism of disease; Has not been previously published as pathogenic or benign to our knowledge

NM_003601.4(SMARCA5):c.292C>T (p.Gln98Ter)

Gene: SMARCA5 (SNF2 related chromatin remodeling ATPase 5; plus strand). Cytogenetic location: 4q31.21.
Variant type: single nucleotide variant.
Coding change: c.292C>T on transcript NM_003601.4 (MANE Select); coding-DNA position 292, C replaced by T.
Protein change: p.Gln98Ter; replaces glutamine 98 with a stop codon.
Molecular consequence: nonsense.
Genome position (GRCh38, 1-based): chr4:143,521,468, C>T. VCF-style: chr4-143521468-C-T. GRCh37 (hg19) VCF-style: chr4-144442621-C-T.
Other names: short protein forms Q98*.
Identifiers: ClinVar variation 1803328 (VCV001803328.1), dbSNP rs2531476849, ClinGen allele CA358325484.